The following is an entry in ClinVar:

NM_001735.3(C5):c.2095T>C (p.Cys699Arg)

Gene: C5 (complement C5; minus strand). Cytogenetic location: 9q33.2.
Variant type: single nucleotide variant.
Coding change: c.2095T>C on transcript NM_001735.3 (MANE Select); coding-DNA position 2095, T replaced by C.
Protein change: p.Cys699Arg; replaces cysteine 699 with arginine.
Molecular consequence: missense variant.
Genome position (GRCh38, 1-based): chr9:121,014,035, A>G on the plus strand (T>C on the coding strand, the complement: C5 is on the minus strand). VCF-style: chr9-121014035-A-G. GRCh37 (hg19) VCF-style: chr9-123776313-A-G.
Other names: c.2113T>C, p.Cys705Arg (NM_001317163.2); c.2095T>C, p.Cys699Arg (NM_001317164.2); short protein forms C699R, C705R.
Identifiers: ClinVar variation 4780539 (VCV004780539.1).

ClinVar aggregate classification (germline): Uncertain significance (1 of 4 stars; one submission).

Submission:

Labcorp Genetics (formerly Invitae), Labcorp
Classification: Uncertain significance. Last evaluated: 2025-11-03. Review status: criteria provided, single submitter. Criteria: Invitae Variant Classification Sherloc (09022015). Collection method: clinical testing. Allele origin: germline.
Comment: This sequence change replaces cysteine, which is neutral and slightly polar, with arginine, which is basic and polar, at codon 699 of the C5 protein (p.Cys699Arg). This variant is not present in population databases (gnomAD no frequency). This variant has not been reported in the literature in individuals affected with C5-related conditions. Invitae Evidence Modeling of protein sequence and biophysical properties (such as structural, functional, and spatial information, amino acid conservation, physicochemical variation, residue mobility, and thermodynamic stability) indicates that this missense variant is expected to disrupt C5 protein function with a positive predictive value of 80%. In summary, the available evidence is currently insufficient to determine the role of this variant in disease. Therefore, it has been classified as a Variant of Uncertain Significance.